The following is an entry in ClinVar:

NM_016604.4(KDM3B):c.1051A>C (p.Asn351His)

Gene: KDM3B (lysine demethylase 3B; plus strand). Cytogenetic location: 5q31.2.
Variant type: single nucleotide variant.
Coding change: c.1051A>C on transcript NM_016604.4 (MANE Select); coding-DNA position 1051, A replaced by C.
Protein change: p.Asn351His; replaces asparagine 351 with histidine.
Molecular consequence: missense variant.
Genome position (GRCh38, 1-based): chr5:138,386,292, A>C. VCF-style: chr5-138386292-A-C. GRCh37 (hg19) VCF-style: chr5-137721981-A-C.
Other names: short protein forms N351H.
Identifiers: ClinVar variation 2573730 (VCV002573730.1), dbSNP rs2480189985, ClinGen allele CA361100695.

ClinVar aggregate classification (germline): Uncertain significance (1 of 4 stars; one submission).

Submission:

GeneDx
Classification: Uncertain significance. Last evaluated: 2023-01-24. Review status: criteria provided, single submitter. Criteria: GeneDx Variant Classification Process June 2021. Collection method: clinical testing. Allele origin: germline. Affected: yes.
Comment: Not observed at significant frequency in large population cohorts (gnomAD); In silico analysis supports that this missense variant does not alter protein structure/function; Has not been previously published as pathogenic or benign to our knowledge